The following is an entry in ClinVar:

NM_001163435.3(TBCK):c.2306T>C (p.Ile769Thr)

Gene: TBCK (TBC1 domain containing kinase; minus strand). Cytogenetic location: 4q24.
Variant type: single nucleotide variant.
Coding change: c.2306T>C on transcript NM_001163435.3 (MANE Select); coding-DNA position 2306, T replaced by C.
Protein change: p.Ile769Thr; replaces isoleucine 769 with threonine.
Molecular consequence: missense variant.
Genome position (GRCh38, 1-based): chr4:106,116,308, A>G on the plus strand (T>C on the coding strand, the complement: TBCK is on the minus strand). VCF-style: chr4-106116308-A-G. GRCh37 (hg19) VCF-style: chr4-107037465-A-G.
Other names: c.2306T>C, p.Ile769Thr (NM_001163436.4); c.2189T>C, p.Ile730Thr (NM_001163437.3); c.1790T>C, p.Ile597Thr (NM_001290768.2); c.2117T>C, p.Ile706Thr (NM_033115.5); short protein forms I706T, I597T, I769T, I730T.
Identifiers: ClinVar variation 2870437 (VCV002870437.1), dbSNP rs747418110, ClinGen allele CA3034738.

ClinVar aggregate classification (germline): Uncertain significance (1 of 4 stars; one submission).

Allele frequency attached by ClinVar (database versions not stated): gnomAD exomes below 0.00001; ExAC 0.00001.
gnomAD v4.1: 2 of 1,614,026 alleles (0.00012%); highest among the groups gnomAD compares: Admixed American, 0.0017%; no homozygotes.

Submission:

Labcorp Genetics (formerly Invitae), Labcorp
Classification: Uncertain significance. Last evaluated: 2023-08-16. Review status: criteria provided, single submitter. Criteria: Invitae Variant Classification Sherloc (09022015). Collection method: clinical testing. Allele origin: germline.
Comment: In summary, the available evidence is currently insufficient to determine the role of this variant in disease. Therefore, it has been classified as a Variant of Uncertain Significance. This sequence change replaces isoleucine, which is neutral and non-polar, with threonine, which is neutral and polar, at codon 769 of the TBCK protein (p.Ile769Thr). This variant is present in population databases (rs747418110, gnomAD 0.003%). This variant has not been reported in the literature in individuals affected with TBCK-related conditions. Advanced modeling of protein sequence and biophysical properties (such as structural, functional, and spatial information, amino acid conservation, physicochemical variation, residue mobility, and thermodynamic stability) performed at Invitae indicates that this missense variant is not expected to disrupt TBCK protein function.